The following is an entry in ClinVar:

NM_001876.4(CPT1A):c.388C>T (p.Leu130Phe)

Gene: CPT1A (carnitine palmitoyltransferase 1A; minus strand). Cytogenetic location: 11q13.3.
Variant type: single nucleotide variant.
Coding change: c.388C>T on transcript NM_001876.4 (MANE Select); coding-DNA position 388, C replaced by T.
Protein change: p.Leu130Phe; replaces leucine 130 with phenylalanine.
Molecular consequence: missense variant.
Genome position (GRCh38, 1-based): chr11:68,807,532, G>A on the plus strand (C>T on the coding strand, the complement: CPT1A is on the minus strand). VCF-style: chr11-68807532-G-A. GRCh37 (hg19) VCF-style: chr11-68575000-G-A.
Other names: c.388C>T, p.Leu130Phe (NM_001031847.3); short protein forms L130F.
Identifiers: ClinVar variation 1516940 (VCV001516940.5), dbSNP rs1212436657, ClinGen allele CA381636685.

ClinVar aggregate classification (germline): Uncertain significance (1 of 4 stars; one submission).

Conditions:
Carnitine palmitoyl transferase 1A deficiency. Also called: Carnitine palmitoyltransferase 1A deficiency; Carnitine palmitoyltransferase type I deficiency; CPT I DEFICIENCY; CPT DEFICIENCY, HEPATIC, TYPE I; CPT deficiency, hepatic, type IA. Identifiers: Orphanet 156, MedGen C1829703, MONDO:0009705, OMIM 255120.

Allele frequency attached by ClinVar (database versions not stated): gnomAD 0.00001 and 0.00002; gnomAD exomes 0.00001; TOPMed 0.00001.

Submission:

Labcorp Genetics (formerly Invitae), Labcorp
Classification: Uncertain significance for Carnitine palmitoyl transferase 1A deficiency. Last evaluated: 2021-08-26. Review status: criteria provided, single submitter. Criteria: Invitae Variant Classification Sherloc (09022015). Collection method: clinical testing. Allele origin: germline.
Comment: This sequence change replaces leucine with phenylalanine at codon 130 of the CPT1A protein (p.Leu130Phe). The leucine residue is highly conserved and there is a small physicochemical difference between leucine and phenylalanine. This variant is not present in population databases (ExAC no frequency). This variant has not been reported in the literature in individuals affected with CPT1A-related conditions. Algorithms developed to predict the effect of missense changes on protein structure and function are either unavailable or do not agree on the potential impact of this missense change (SIFT: "Deleterious"; PolyPhen-2: "Possibly Damaging"; Align-GVGD: "Class C0"). In summary, the available evidence is currently insufficient to determine the role of this variant in disease. Therefore, it has been classified as a Variant of Uncertain Significance.